The following is an entry in ClinVar:

NM_000093.5(COL5A1):c.-110A>G

Gene: COL5A1 (collagen type V alpha 1 chain; plus strand). Cytogenetic location: 9q34.3.
Variant type: single nucleotide variant.
Coding change: c.-110A>G on transcript NM_000093.5 (MANE Select); 110 bases upstream of the start codon, A replaced by G.
Molecular consequence: 5 prime UTR variant.
Genome position (GRCh38, 1-based): chr9:134,642,078, A>G. VCF-style: chr9-134642078-A-G. GRCh37 (hg19) VCF-style: chr9-137533924-A-G.
Other names: c.-110A>G (NM_001278074.1).
Identifiers: ClinVar variation 365703 (VCV000365703.10), dbSNP rs180741151, ClinGen allele CA10632867.
Genomic context (GRCh38, chr9:134,642,078, plus strand): 5'-TTCCAGAACAGCCGCCGCCACAAAGAAGAACGGGGGGTGCCGAGGTCCCCATGACCTCCT[A>G]AAGTGGTGCGGTCCCTGCTGAGTGCGCTGCCCGGGCCGTGACCCGCGCCCCTGTGCGTCC-3'

ClinVar aggregate classification (germline): Benign/Likely benign. Review status: criteria provided, multiple submitters, no conflicts (2 of 4 stars). 5 submissions from 4 submitters: Benign (3); Likely benign (2). Last evaluated 2022-03-15.

Conditions:
Ehlers-Danlos syndrome, classic type, 1 (EDSCL1). Also called: EHLERS-DANLOS SYNDROME, GRAVIS TYPE; EHLERS-DANLOS SYNDROME, SEVERE CLASSIC TYPE; Ehlers-Danlos Syndrome, Classic Type, COL5A1-Related; EDS I; Ehlers-Danlos syndrome, type 1. Identifiers: MedGen C0268335, MONDO:0019567, OMIM 130000.
Fibromuscular dysplasia, multifocal. Identifiers: MedGen C5543412, MONDO:0859151, OMIM 619329.
Ehlers-Danlos syndrome, classic type (cEDS). Identifiers: Orphanet 287, MedGen C4225429, MONDO:0007522.

Allele frequency attached by ClinVar (database versions not stated): gnomAD 0.00833 and 0.00852; 1000 Genomes Project 0.00659; TOPMed 0.00832.

Submissions (5):

Genome-Nilou Lab
Classification: Benign for Ehlers-Danlos syndrome, classic type, 1. Last evaluated: 2022-03-15. Review status: criteria provided, single submitter. Criteria: ACMG Guidelines, 2015. Collection method: clinical testing. Allele origin: germline. Affected: no.

Genome-Nilou Lab
Classification: Benign for Fibromuscular dysplasia, multifocal. Last evaluated: 2022-03-15. Review status: criteria provided, single submitter. Criteria: ACMG Guidelines, 2015. Collection method: clinical testing. Allele origin: germline. Affected: no.

GeneDx
Classification: Likely benign. Last evaluated: 2018-06-14. Review status: criteria provided, single submitter. Criteria: GeneDx Variant Classification (06012015). Collection method: clinical testing. Allele origin: germline. Affected: yes.
Comment: This variant is considered likely benign or benign based on one or more of the following criteria: it is a conservative change, it occurs at a poorly conserved position in the protein, it is predicted to be benign by multiple in silico algorithms, and/or has population frequency not consistent with disease.

Illumina Laboratory Services, Illumina
Classification: Benign for Ehlers-Danlos syndrome, classic type, 1. Last evaluated: 2018-01-12. Review status: criteria provided, single submitter. Criteria: ICSL Variant Classification Criteria 13 December 2019. Collection method: clinical testing. Allele origin: germline.
Comment: This variant was observed in the ICSL laboratory as part of a predisposition screen in an ostensibly healthy population. It had not been previously curated by ICSL or reported in the Human Gene Mutation Database (HGMD: prior to June 1st, 2018), and was therefore a candidate for classification through an automated scoring system. Utilizing variant allele frequency, disease prevalence and penetrance estimates, and inheritance mode, an automated score was calculated to assess if this variant is too frequent to cause the disease. Based on the score and internal cut-off values, a variant classified as benign is not then subjected to further curation. The score for this variant resulted in a classification of benign for this disease.

Breakthrough Genomics
Classification: Likely benign. Review status: criteria provided, single submitter. Criteria: ACMG Guidelines, 2015. Collection method: not provided. Allele origin: germline. Inheritance: Autosomal dominant inheritance. Affected: yes.